The following is an entry in ClinVar:

ClinVar aggregate classification (germline): Pathogenic (1 of 4 stars; one submission).
ClinVar aggregate classification (somatic clinical impact): Tier I - Strong (1 of 4 stars; one submission).

Conditions:
Medulloblastoma non-WNT/non-SHH group 4. Identifiers: MedGen C4330666, MONDO:0956967.

Submissions (3):

Institute for Genomic Medicine (IGM) Clinical Laboratory, Nationwide Children's Hospital
Classification: Tier I - Strong for Medulloblastoma non-WNT/non-SHH group 4. Assertion type: diagnostic. Clinical significance: supports diagnosis. Last evaluated: 2025-04-08. Review status: criteria provided, single submitter. Criteria: AMP/ASCO/CAP Guidelines, 2017. Collection method: clinical testing. Allele origin: somatic. Affected: yes.
Comment: Variant has Tier I (strong) clinical significance as a diagnostic inclusion criterion in medulloblastoma non-WNT/non-SHH group 4, based on the following evidence: 1) Documented in one or more cancer databases (e.g., St. Jude Pecan, COSMIC, CIViC, OncoKB). 2) Appears in one or more well-established professional guidelines (e.g., World Health Organization [WHO]; National Comprehensive Cancer Network [NCCN]) as providing diagnostic, prognostic, or therapeutic information. 3) Diagnostic for a specific tumor type/classification based on well-powered studies with expert-level consensus (Evidence Level B; PMIDs: 28726821, 23184418, 22832583, 22820256, 22722829).

GeneDx
Classification: Pathogenic. Last evaluated: 2016-08-29. Review status: criteria provided, single submitter. Criteria: GeneDx Variant Classification (06012015). Collection method: clinical testing. Allele origin: germline. Affected: yes.
Comment: The c.4005+5_4005+8delGTAA variant in the KDM6A gene has not been reported previously as a pathogenic variant nor as a benign variant, to our knowledge. This deletion changes the downstream intronic sequence including the conserved +5 position which results in the loss of the natural splice donor site in intron 27. This deletion is expected to cause abnormal gene splicing. The c.4005+5_4005+8delGTAA variant was not observed in approximately 6,500 individuals of European and African American ancestry in the NHLBI Exome Sequencing Project, indicating it is not a common benign variant in these populations. We interpret c.4005+5_4005+8delGTAA as a pathogenic variant.

Dr. Peter K. Rogan Lab, Western University
No classification provided (evidence only). Condition: Familial prostate cancer. Review status: no classification provided. Collection method: in vitro. Allele origin: not applicable. Functional consequence: skipped exon, retained intron. Not counted in ClinVar's aggregate classification.

Literature cited by the submitters: PubMed 28726821 (cited by Institute for Genomic Medicine (IGM) Clinical Laboratory, Nationwide Children's Hospital); PubMed 23184418 (cited by Institute for Genomic Medicine (IGM) Clinical Laboratory, Nationwide Children's Hospital); PubMed 22832583 (cited by Institute for Genomic Medicine (IGM) Clinical Laboratory, Nationwide Children's Hospital); PubMed 22820256 (cited by Institute for Genomic Medicine (IGM) Clinical Laboratory, Nationwide Children's Hospital); PubMed 22722829 (cited by Institute for Genomic Medicine (IGM) Clinical Laboratory, Nationwide Children's Hospital).

NM_001291415.2(KDM6A):c.4161+5_4161+8del

Gene: KDM6A (lysine demethylase 6A; plus strand). Cytogenetic location: Xp11.3.
Variant type: Microsatellite.
Coding change: c.4161+5_4161+8del on transcript NM_001291415.2 (MANE Select); bases 5 to 8 of the intron after coding-DNA position 4161, 4 bases deleted (GTAA; older notation c.4161+5_4161+8delGTAA).
Molecular consequence: splice donor variant.
Genome position (GRCh38, 1-based): chrX:45,107,541-45,107,544, GTAA deleted; deleting any 4 consecutive bases within chrX:45,107,535-45,107,544 gives the same sequence; the c. name uses the placement nearest the transcript's 3' end. VCF-style (leftmost placement, unchanged base first): chrX-45107534-GAAGT-G. GRCh37 (hg19) VCF-style: chrX-44966779-GAAGT-G.
Other names: NC_000023.10:g.44966786_44966789del; c.4005+5_4005+8delGTAA (NM_021140.2); c.4005+5_4005+8del (NM_021140.4); c.4026+5_4026+8del (NM_001291416.2); c.3870+5_3870+8del (NM_001291417.2); c.3768+5_3768+8del (NM_001291418.2); c.3117+5_3117+8del (NM_001291421.2).
Identifiers: ClinVar variation 280806 (VCV000280806.4), dbSNP rs886041946, ClinGen allele CA10603596.
Genomic context (GRCh38, chrX:45,107,534, plus strand): 5'-AAAGAGATTATATGGCATGGGCGGACAAAAGAAGAACCAGCTCATTACTGTAGCATTTGT[GAAGT>G]AAGTAATTGTTTTTATCCACAGTTGTTTTATAAAGCCTCTTCCCTCTCCACTGTTGGTTT-3'